The following is an entry in ClinVar:

ClinVar aggregate classification (germline): Likely benign (0 of 4 stars; one submission).

Conditions:
DNAH17-related disorder. Also called: DNAH17-related condition.

Allele frequency attached by ClinVar (database versions not stated): gnomAD 0.00001; gnomAD exomes 0.00001; TOPMed 0.00002.
gnomAD v4.1: 10 of 1,613,348 alleles (0.00062%); highest among the groups gnomAD compares: Admixed American, 0.005%; no homozygotes.

Submission:

PreventionGenetics, part of Exact Sciences
Classification: Likely benign for DNAH17-related condition. Last evaluated: 2019-12-16. Review status: no assertion criteria provided. Collection method: clinical testing. Allele origin: germline.
Comment: This variant is classified as likely benign based on ACMG/AMP sequence variant interpretation guidelines (Richards et al. 2015 PMID: 25741868, with internal and published modifications).

NM_173628.4(DNAH17):c.7011C>T (p.Thr2337=)

Genes: DNAH17 (dynein axonemal heavy chain 17; minus strand), DNAH17-AS1 (DNAH17 antisense RNA 1; plus strand). Cytogenetic location: 17q25.3.
Variant type: single nucleotide variant.
Coding change: c.7011C>T on transcript NM_173628.4 (MANE Select); coding-DNA position 7011, C replaced by T.
Protein change: p.Thr2337=; no amino-acid change (threonine 2337 retained).
Molecular consequence: synonymous variant.
Genome position (GRCh38, 1-based): chr17:78,486,314, G>A on the plus strand (C>T on the coding strand, the complement: DNAH17 is on the minus strand). VCF-style: chr17-78486314-G-A. GRCh37 (hg19) VCF-style: chr17-76482396-G-A.
Identifiers: ClinVar variation 3049087 (VCV003049087.2), dbSNP rs1439669797, ClinGen allele CA502379032.
Genomic context (GRCh38, chr17:78,486,314, plus strand): 5'-CCAGAAGCAGGTGAACACGAAGTACAGCTCGTACAGCTCCCTGGGGGAGTCGGGGGGCAC[G>A]GTCTTCTCCGTGAGCAGGCACTCCAGCAGGTACAGAATCGTTTGGATCACCGTGATCTCC-3'
Protein context (NP_775899.3, residues 2327-2347): YLLECLLTEK[Thr2337=]VPPDSPRELY